The following is an entry in ClinVar:

NM_014974.3(DIP2C):c.2522T>C (p.Val841Ala)

Gene: DIP2C (DIP2 acetate--CoA ligase C (putative); minus strand). Cytogenetic location: 10p15.3.
Variant type: single nucleotide variant.
Coding change: c.2522T>C on transcript NM_014974.3 (MANE Select); coding-DNA position 2522, T replaced by C.
Protein change: p.Val841Ala; replaces valine 841 with alanine.
Molecular consequence: missense variant.
Genome position (GRCh38, 1-based): chr10:363,267, A>G on the plus strand (T>C on the coding strand, the complement: DIP2C is on the minus strand). VCF-style: chr10-363267-A-G. GRCh37 (hg19) VCF-style: chr10-409207-A-G.
Other names: short protein forms V841A.
Identifiers: ClinVar variation 3342528 (VCV003342528.3).

ClinVar aggregate classification (germline): Uncertain significance. Review status: criteria provided, multiple submitters, no conflicts (2 of 4 stars). 2 submissions from 2 submitters: Uncertain significance (2). Last evaluated 2024-10-09.

gnomAD v4.1: 1 of 1,613,236 alleles (0.000062%); highest among the groups gnomAD compares: African/African-American, 0.0013%; no homozygotes.

Submissions (2):

Labcorp Genetics (formerly Invitae), Labcorp
Classification: Uncertain significance. Last evaluated: 2024-10-09. Review status: criteria provided, single submitter. Criteria: Invitae Variant Classification Sherloc (09022015). Collection method: clinical testing. Allele origin: germline.
Comment: This sequence change replaces valine, which is neutral and non-polar, with alanine, which is neutral and non-polar, at codon 841 of the DIP2C protein (p.Val841Ala). This variant is not present in population databases (gnomAD no frequency). This variant has not been reported in the literature in individuals affected with DIP2C-related conditions. An algorithm developed to predict the effect of missense changes on protein structure and function (PolyPhen-2) suggests that this variant is likely to be disruptive. In summary, the available evidence is currently insufficient to determine the role of this variant in disease. Therefore, it has been classified as a Variant of Uncertain Significance.

GeneDx
Classification: Uncertain significance. Last evaluated: 2022-05-26. Review status: criteria provided, single submitter. Criteria: GeneDx Variant Classification Process June 2021. Collection method: clinical testing. Allele origin: germline. Affected: yes.
Comment: Not observed at significant frequency in large population cohorts (gnomAD); In silico analysis supports that this missense variant has a deleterious effect on protein structure/function; Has not been previously published as pathogenic or benign to our knowledge; Variants in candidate genes are classified as variants of uncertain significance in accordance with ACMG guidelines (Richards et al., 2015)